The following is an entry in ClinVar:

ClinVar aggregate classification (germline): Pathogenic/Likely pathogenic. Review status: criteria provided, multiple submitters, no conflicts (2 of 4 stars). 3 submissions from 3 submitters: Pathogenic (1); Likely pathogenic (2). Last evaluated 2024-06-12.

Conditions:
Mulibrey nanism syndrome. Also called: MUSCLE-LIVER-BRAIN-EYE NANISM; PERHEENTUPA SYNDROME; PERICARDIAL CONSTRICTION AND GROWTH FAILURE. Identifiers: Orphanet 2576, MedGen C0524582, MONDO:0009664, OMIM 253250.
TRIM37-related disorder. Also called: TRIM37-related condition.

Allele frequency attached by ClinVar (database versions not stated): gnomAD exomes 0.00001; gnomAD 0.00003; TOPMed 0.00003.

Submissions (3):

Blueprint Genetics
Classification: Likely pathogenic for TRIM37-related disorders. Last evaluated: 2024-06-12. Review status: criteria provided, single submitter. Criteria: ACMG Guidelines, 2015. Collection method: clinical testing. Allele origin: germline. Affected: yes. Observed: 3 variant alleles.

Baylor Genetics
Classification: Likely pathogenic for Mulibrey nanism syndrome. Last evaluated: 2024-03-23. Review status: criteria provided, single submitter. Criteria: ACMG Guidelines, 2015. Collection method: clinical testing. Allele origin: unknown.

Labcorp Genetics (formerly Invitae), Labcorp
Classification: Pathogenic. Last evaluated: 2023-11-27. Review status: criteria provided, single submitter. Criteria: Invitae Variant Classification Sherloc (09022015). Collection method: clinical testing. Allele origin: germline.
Comment: This sequence change creates a premature translational stop signal (p.Cys28Valfs*17) in the TRIM37 gene. It is expected to result in an absent or disrupted protein product. Loss-of-function variants in TRIM37 are known to be pathogenic (PMID: 10888877, 15108285). This variant is present in population databases (rs312262706, gnomAD 0.002%). This variant has not been reported in the literature in individuals affected with TRIM37-related conditions. For these reasons, this variant has been classified as Pathogenic.

Literature cited by the submitters: PubMed 10888877 (cited by Labcorp Genetics (formerly Invitae), Labcorp); PubMed 15108285 (cited by Labcorp Genetics (formerly Invitae), Labcorp).

NM_015294.6(TRIM37):c.81del (p.Cys28fs)

Gene: TRIM37 (tripartite motif containing 37; minus strand). Cytogenetic location: 17q22.
Variant type: Deletion.
Coding change: c.81del on transcript NM_015294.6 (MANE Select); coding-DNA position 81, one base deleted (G; older notation c.81delG).
Protein change: p.Cys28fs; shifts the reading frame from cysteine 28.
Molecular consequence: frameshift variant. On other transcripts: 5 prime UTR variant (2), non-coding transcript variant (1), intron variant (3).
Genome position (GRCh38, 1-based): chr17:59,104,335, C deleted on the plus strand (G on the coding strand, the reverse complement: TRIM37 is on the minus strand). VCF-style (leftmost placement, unchanged base first): chr17-59104334-AC-A. GRCh37 (hg19) VCF-style: chr17-57181695-AC-A.
Other names: c.81del, p.Cys28fs (NM_001005207.5, NM_001320988.3, NM_001320989.3 and 2 more transcripts); c.-362del (NM_001320990.3); c.-672del (NM_001353083.2); c.-252+2106del (NM_001353085.2); c.21+2106del (NM_001320987.3, NM_001353082.2); short protein forms C28fs.
Identifiers: ClinVar variation 2860357 (VCV002860357.5), dbSNP rs312262706, ClinGen allele CA292090900.
Genomic context (GRCh38, chr17:59,104,334, plus strand): 5'-AAAAAGAAATACAACTTACCCTAATACAGCTGAAACAACACAGTTTGGAGCAATGAGGAC[AC>A]AGGCGTGCATCCCGCAATTTCTCCATACAAATGAAACATCGGAAAACCTCAGCAATGCTC-3'